The following is an entry in ClinVar:

ClinVar aggregate classification (germline): Uncertain significance. Review status: criteria provided, multiple submitters, no conflicts (2 of 4 stars). 2 submissions from 2 submitters: Uncertain significance (2). Last evaluated 2025-07-14.

Conditions:
Spastic paraplegia. Identifiers: MedGen C0037772, HP:0001258.
Hereditary spastic paraplegia 12 (SPG12). Also called: SPASTIC PARAPLEGIA 12, AUTOSOMAL DOMINANT. Identifiers: Orphanet 100993, MedGen C1858106, MONDO:0011489, OMIM 604805.

Allele frequency attached by ClinVar (database versions not stated): gnomAD exomes below 0.00001 and 0.00001.
gnomAD v4.1: 19 of 1,613,506 alleles (0.0012%); highest among the groups gnomAD compares: South Asian, 0.0022%; no homozygotes.

Submissions (2):

Labcorp Genetics (formerly Invitae), Labcorp
Classification: Uncertain significance for Spastic paraplegia. Last evaluated: 2025-07-14. Review status: criteria provided, single submitter. Criteria: Invitae Variant Classification Sherloc (09022015). Collection method: clinical testing. Allele origin: germline.
Comment: This sequence change falls in intron 9 of the RTN2 gene. It does not directly change the encoded amino acid sequence of the RTN2 protein. It affects a nucleotide within the consensus splice site. This variant is present in population databases (no rsID available, gnomAD 0.0009%). This variant has not been reported in the literature in individuals affected with RTN2-related conditions. ClinVar contains an entry for this variant (Variation ID: 893521). Variants that disrupt the consensus splice site are a relatively common cause of aberrant splicing (PMID: 17576681, 9536098). Algorithms developed to predict the effect of sequence changes on RNA splicing suggest that this variant is not likely to affect RNA splicing. In summary, the available evidence is currently insufficient to determine the role of this variant in disease. Therefore, it has been classified as a Variant of Uncertain Significance.

Illumina Laboratory Services, Illumina
Classification: Uncertain significance for Hereditary spastic paraplegia 12. Last evaluated: 2018-01-13. Review status: criteria provided, single submitter. Criteria: ICSL Variant Classification Criteria 13 December 2019. Collection method: clinical testing. Allele origin: germline.

Literature cited by the submitters: PubMed 17576681 (cited by Labcorp Genetics (formerly Invitae), Labcorp); PubMed 9536098 (cited by Labcorp Genetics (formerly Invitae), Labcorp).

NM_005619.5(RTN2):c.1497+3G>A

Genes: OPA3-RTN2 (OPA3-RTN2 readthrough; minus strand), RTN2 (reticulon 2; minus strand). Cytogenetic location: 19q13.32.
Variant type: single nucleotide variant.
Coding change: c.1497+3G>A on transcript NM_005619.5 (MANE Select); 3 bases into the intron after coding-DNA position 1497, G replaced by A.
Molecular consequence: intron variant.
Genome position (GRCh38, 1-based): chr19:45,488,468, C>T on the plus strand (G>A on the coding strand, the complement: RTN2 is on the minus strand). VCF-style: chr19-45488468-C-T. GRCh37 (hg19) VCF-style: chr19-45991726-C-T.
Other names: c.1278+3G>A (NM_206900.3); c.477+3G>A (NM_206901.3).
Identifiers: ClinVar variation 893521 (VCV000893521.5), dbSNP rs1318814220, ClinGen allele CA633480967.